The following is an entry in ClinVar:

NM_017570.5(OPLAH):c.934G>A (p.Gly312Ser)

Gene: OPLAH (5-oxoprolinase, ATP-hydrolysing; minus strand). Cytogenetic location: 8q24.3.
Variant type: single nucleotide variant.
Coding change: c.934G>A on transcript NM_017570.5 (MANE Select); coding-DNA position 934, G replaced by A.
Protein change: p.Gly312Ser; replaces glycine 312 with serine.
Molecular consequence: missense variant.
Genome position (GRCh38, 1-based): chr8:144,058,254, C>T on the plus strand (G>A on the coding strand, the complement: OPLAH is on the minus strand). VCF-style: chr8-144058254-C-T. GRCh37 (hg19) VCF-style: chr8-145113157-C-T.
Other names: short protein forms G312S.
Identifiers: ClinVar variation 2747921 (VCV002747921.3), dbSNP rs905023926, ClinGen allele CA187617859.

ClinVar aggregate classification (germline): Uncertain significance (1 of 4 stars; one submission).

Conditions:
5-Oxoprolinase deficiency (OPLAHD). Also called: 5-OXOPROLINURIA DUE TO 5-OXOPROLINASE DEFICIENCY. Identifiers: Orphanet 33572, MedGen C0268525, MONDO:0009825, OMIM 260005, HP:0040142.

Allele frequency attached by ClinVar (database versions not stated): gnomAD 0.00001.
gnomAD v4.1: 13 of 1,610,314 alleles (0.00081%); highest among the groups gnomAD compares: Admixed American, 0.0033%; no homozygotes.

Submission:

Labcorp Genetics (formerly Invitae), Labcorp
Classification: Uncertain significance for 5-Oxoprolinase deficiency. Last evaluated: 2023-03-02. Review status: criteria provided, single submitter. Criteria: Invitae Variant Classification Sherloc (09022015). Collection method: clinical testing. Allele origin: germline.
Comment: An algorithm developed to predict the effect of missense changes on protein structure and function (PolyPhen-2) suggests that this variant is likely to be disruptive. In summary, the available evidence is currently insufficient to determine the role of this variant in disease. Therefore, it has been classified as a Variant of Uncertain Significance. This sequence change replaces glycine, which is neutral and non-polar, with serine, which is neutral and polar, at codon 312 of the OPLAH protein (p.Gly312Ser). The frequency data for this variant in the population databases is considered unreliable, as metrics indicate poor data quality at this position in the gnomAD database. This variant has not been reported in the literature in individuals affected with OPLAH-related conditions.